The following is an entry in ClinVar:

NM_004278.4(PIGL):c.702C>T (p.Arg234=)

Gene: PIGL (phosphatidylinositol glycan anchor biosynthesis class L; plus strand). Cytogenetic location: 17p11.2.
Variant type: single nucleotide variant.
Coding change: c.702C>T on transcript NM_004278.4 (MANE Select); coding-DNA position 702, C replaced by T.
Protein change: p.Arg234=; no amino-acid change (arginine 234 retained).
Molecular consequence: synonymous variant.
Genome position (GRCh38, 1-based): chr17:16,325,841, C>T. VCF-style: chr17-16325841-C-T. GRCh37 (hg19) VCF-style: chr17-16229155-C-T.
Other names: c.702C>T (NM_004278.3).
Identifiers: ClinVar variation 1636735 (VCV001636735.5), dbSNP rs764702069, ClinGen allele CA8410039.

ClinVar aggregate classification (germline): Likely benign. Review status: criteria provided, single submitter (1 of 4 stars). 2 submissions from 2 submitters: Likely benign (1). 1 of the submissions does not count toward it. Last evaluated 2021-01-19.

Conditions:
PIGL-related disorder. Also called: PIGL-related condition.

Allele frequency attached by ClinVar (database versions not stated): ExAC 0.00001; gnomAD exomes 0.00001.
gnomAD v4.1: 7 of 1,614,026 alleles (0.00043%); highest among the groups gnomAD compares: Admixed American, 0.01%; no homozygotes.

Submissions (2):

Labcorp Genetics (formerly Invitae), Labcorp
Classification: Likely benign. Last evaluated: 2021-01-19. Review status: criteria provided, single submitter. Criteria: Invitae Variant Classification Sherloc (09022015). Collection method: clinical testing. Allele origin: germline.

PreventionGenetics, part of Exact Sciences
Classification: Likely benign for PIGL-related condition. Last evaluated: 2019-08-11. Review status: no assertion criteria provided. Collection method: clinical testing. Allele origin: germline. Not counted in ClinVar's aggregate classification.
Comment: This variant is classified as likely benign based on ACMG/AMP sequence variant interpretation guidelines (Richards et al. 2015 PMID: 25741868, with internal and published modifications).